The following is an entry in ClinVar:

ClinVar aggregate classification (germline): Likely pathogenic (1 of 4 stars; one submission).

Allele frequency attached by ClinVar (database versions not stated): TOPMed below 0.00001; ExAC 0.00001.

Submission:

Labcorp Genetics (formerly Invitae), Labcorp
Classification: Likely pathogenic. Last evaluated: 2023-10-17. Review status: criteria provided, single submitter. Criteria: Invitae Variant Classification Sherloc (09022015). Collection method: clinical testing. Allele origin: germline.
Comment: This sequence change affects an acceptor splice site in intron 8 of the CHRNG gene. It is expected to disrupt RNA splicing. Variants that disrupt the donor or acceptor splice site typically lead to a loss of protein function (PMID: 16199547), and loss-of-function variants in CHRNG are known to be pathogenic (PMID: 16826520). This variant is present in population databases (rs772646452, gnomAD 0.003%). This variant has not been reported in the literature in individuals affected with CHRNG-related conditions. Algorithms developed to predict the effect of sequence changes on RNA splicing suggest that this variant may disrupt the consensus splice site. In summary, the currently available evidence indicates that the variant is pathogenic, but additional data are needed to prove that conclusively. Therefore, this variant has been classified as Likely Pathogenic.

Literature cited by the submitters: PubMed 16199547; PubMed 16826520.

NM_005199.5(CHRNG):c.921-1G>A

Gene: CHRNG (cholinergic receptor nicotinic gamma subunit; plus strand). Cytogenetic location: 2q37.1.
Variant type: single nucleotide variant.
Coding change: c.921-1G>A on transcript NM_005199.5 (MANE Select); the canonical splice acceptor site of the intron before coding-DNA position 921, G replaced by A.
Molecular consequence: splice acceptor variant.
Genome position (GRCh38, 1-based): chr2:232,543,584, G>A. VCF-style: chr2-232543584-G-A. GRCh37 (hg19) VCF-style: chr2-233408294-G-A.
Identifiers: ClinVar variation 2769357 (VCV002769357.3), dbSNP rs772646452, ClinGen allele CA2168865.
Genomic context (GRCh38, chr2:232,543,584, plus strand): 5'-CTAAGCGTGGGGGTGGCATCATGGTATGGGCTGCCAGCTCCTGCCCACCCCACCCTGACA[G>A]GTACCTGACCTTCCTCCTGGTGGTGACCATCCTCATTGTCGTGAATGCTGTGGTTGTGCT-3'